The following is an entry in ClinVar:

ClinVar aggregate classification (germline): Likely pathogenic (1 of 4 stars; one submission).

Conditions:
Pigmentary pallidal degeneration (NBIA1). Also called: Neuroaxonal dystrophy, late infantile; Hallervorden-Spatz disease; HARP SYNDROME; PKAN NEUROAXONAL DYSTROPHY, JUVENILE-ONSET; Pantothenate Kinase-Associated Neurodegeneration; Neurodegeneration with brain iron accumulation 1. Identifiers: Orphanet 157850, MedGen C0018523, MONDO:0009319, OMIM 234200.

Submission:

Labcorp Genetics (formerly Invitae), Labcorp
Classification: Likely pathogenic for Pigmentary pallidal degeneration. Last evaluated: 2024-07-23. Review status: criteria provided, single submitter. Criteria: Invitae Variant Classification Sherloc (09022015). Collection method: clinical testing. Allele origin: germline.
Comment: This sequence change replaces tyrosine, which is neutral and polar, with histidine, which is basic and polar, at codon 383 of the PANK2 protein (p.Tyr383His). This variant is not present in population databases (gnomAD no frequency). This missense change has been observed in individual(s) with neurodegeneration with brain iron accumulation (Invitae). In at least one individual the data is consistent with being in trans (on the opposite chromosome) from a pathogenic variant. Advanced modeling of protein sequence and biophysical properties (such as structural, functional, and spatial information, amino acid conservation, physicochemical variation, residue mobility, and thermodynamic stability) performed at Invitae indicates that this missense variant is expected to disrupt PANK2 protein function with a positive predictive value of 80%. This variant disrupts the p.Tyr383 amino acid residue in PANK2. Other variant(s) that disrupt this residue have been observed in individuals with PANK2-related conditions (PMID: 20629144), which suggests that this may be a clinically significant amino acid residue. In summary, the currently available evidence indicates that the variant is pathogenic, but additional data are needed to prove that conclusively. Therefore, this variant has been classified as Likely Pathogenic.

Literature cited by the submitters: PubMed 20629144.

NM_001386393.1(PANK2):c.817T>C (p.Tyr273His)

Gene: PANK2 (pantothenate kinase 2; plus strand). Cytogenetic location: 20p13.
Variant type: single nucleotide variant.
Coding change: c.817T>C on transcript NM_001386393.1 (MANE Select); coding-DNA position 817, T replaced by C.
Protein change: p.Tyr273His; replaces tyrosine 273 with histidine.
Molecular consequence: missense variant. On other transcripts: 5 prime UTR variant (1), non-coding transcript variant (1).
Genome position (GRCh38, 1-based): chr20:3,910,742, T>C. VCF-style: chr20-3910742-T-C. GRCh37 (hg19) VCF-style: chr20-3891389-T-C.
Other names: c.274T>C, p.Tyr92His (NM_001324191.2, NM_024960.6, NM_153640.4); c.-162T>C (NM_001324193.2); c.1147T>C, p.Tyr383His (NM_153638.4); short protein forms Y383H, Y92H, Y273H.
Identifiers: ClinVar variation 2997374 (VCV002997374.3), dbSNP rs2515500101, ClinGen allele CA408115236.
Genomic context (GRCh38, chr20:3,910,742, plus strand): 5'-TTTGAAAACCCTGCTGATTCTGAAAAGTGTCAGAAGTTACCATTTGATTTGAAAAATCCG[T>C]ATCCTCTGCTTCTGGTGAACATTGGCTCAGGGGTTAGCATCTTAGCAGTATATTCCAAAG-3'
Protein context (NP_001373322.1, residues 263-283): QKLPFDLKNP[Tyr273His]PLLLVNIGSG